The following is an entry in ClinVar:

NM_017934.7(PHIP):c.3509C>T (p.Ala1170Val)

Genes: IRAK1BP1 (interleukin 1 receptor associated kinase 1 binding protein 1; plus strand), PHIP (PHIP subunit of CUL4-Ring ligase complex; minus strand). Cytogenetic location: 6q14.1.
Variant type: single nucleotide variant.
Coding change: c.3509C>T on transcript NM_017934.7 (MANE Select); coding-DNA position 3509, C replaced by T.
Protein change: p.Ala1170Val; replaces alanine 1170 with valine.
Molecular consequence: missense variant.
Genome position (GRCh38, 1-based): chr6:78,963,123, G>A on the plus strand (C>T on the coding strand, the complement: PHIP is on the minus strand). VCF-style: chr6-78963123-G-A. GRCh37 (hg19) VCF-style: chr6-79672840-G-A.
Other names: short protein forms A1170V.
Identifiers: ClinVar variation 3771904 (VCV003771904.13).

ClinVar aggregate classification (germline): Uncertain significance (1 of 4 stars; one submission).

Submission:

CeGaT Center for Human Genetics Tuebingen
Classification: Uncertain significance. Last evaluated: 2025-01-01. Review status: criteria provided, single submitter. Criteria: CeGaT Center For Human Genetics Tuebingen Variant Classification Criteria Version 2. Collection method: clinical testing. Allele origin: germline. Affected: yes. Observed: 1 variant allele.
Comment: PHIP: PM2, BP4